The following is an entry in ClinVar:

NM_030957.4(ADAMTS10):c.1919C>A (p.Ser640Ter)

Gene: ADAMTS10 (ADAM metallopeptidase with thrombospondin type 1 motif 10; minus strand). Cytogenetic location: 19p13.2.
Variant type: single nucleotide variant.
Coding change: c.1919C>A on transcript NM_030957.4 (MANE Select); coding-DNA position 1919, C replaced by A.
Protein change: p.Ser640Ter; replaces serine 640 with a stop codon.
Molecular consequence: nonsense.
Genome position (GRCh38, 1-based): chr19:8,589,567, G>T on the plus strand (C>A on the coding strand, the complement: ADAMTS10 is on the minus strand). VCF-style: chr19-8589567-G-T. GRCh37 (hg19) VCF-style: chr19-8654451-G-T.
Other names: c.380C>A, p.Ser127Ter (NM_001282352.2); short protein forms S127*, S640*.
Identifiers: ClinVar variation 1995812 (VCV001995812.4), dbSNP rs2512592873, ClinGen allele CA403750943.

ClinVar aggregate classification (germline): Pathogenic (1 of 4 stars; one submission).

Submission:

Labcorp Genetics (formerly Invitae), Labcorp
Classification: Pathogenic. Last evaluated: 2024-01-24. Review status: criteria provided, single submitter. Criteria: Invitae Variant Classification Sherloc (09022015). Collection method: clinical testing. Allele origin: germline.
Comment: This sequence change creates a premature translational stop signal (p.Ser640*) in the ADAMTS10 gene. It is expected to result in an absent or disrupted protein product. Loss-of-function variants in ADAMTS10 are known to be pathogenic (PMID: 15368195, 18567016). This variant is not present in population databases (gnomAD no frequency). This variant has not been reported in the literature in individuals affected with ADAMTS10-related conditions. ClinVar contains an entry for this variant (Variation ID: 1995812). For these reasons, this variant has been classified as Pathogenic.

Literature cited by the submitters: PubMed 15368195; PubMed 18567016.